The following is an entry in ClinVar:

NM_001267550.2(TTN):c.105182C>T (p.Ala35061Val)

Genes: TTN (titin; minus strand), TTN-AS1 (TTN antisense RNA 1; plus strand). Cytogenetic location: 2q31.2.
Variant type: single nucleotide variant.
Coding change: c.105182C>T on transcript NM_001267550.2 (MANE Select); coding-DNA position 105182, C replaced by T.
Protein change: p.Ala35061Val; replaces alanine 35061 with valine.
Molecular consequence: missense variant.
Genome position (GRCh38, 1-based): chr2:178,531,433, G>A on the plus strand (C>T on the coding strand, the complement: TTN is on the minus strand). VCF-style: chr2-178531433-G-A. GRCh37 (hg19) VCF-style: chr2-179396160-G-A.
Other names: c.100259C>T, p.Ala33420Val (NM_001256850.1); c.77987C>T, p.Ala25996Val (NM_003319.4); c.97478C>T, p.Ala32493Val (NM_133378.4); c.78362C>T, p.Ala26121Val (NM_133432.3); c.78563C>T, p.Ala26188Val (NM_133437.4); short protein forms A32493V, A35061V, A25996V, A33420V, A26121V, A26188V.
Identifiers: ClinVar variation 287420 (VCV000287420.14), dbSNP rs762136167, ClinGen allele CA1985297.

ClinVar aggregate classification (germline): Conflicting classifications of pathogenicity. Review status: criteria provided, conflicting classifications (1 of 4 stars). 5 submissions from 5 submitters: Uncertain significance (4); Likely benign (1). Last evaluated 2026-03-18.

Conditions:
TTN-related disorder. Also called: TTN-related condition; TTN-related disease; TTN-related disorders.
Cardiovascular phenotype. Identifiers: MedGen CN230736.

Allele frequency attached by ClinVar (database versions not stated): ExAC 0.00002; gnomAD exomes 0.00002 and 0.00003; gnomAD 0.00003; TOPMed 0.00003.
gnomAD v4.1: 27 of 1,613,754 alleles (0.0017%); highest among the groups gnomAD compares: Admixed American, 0.0033%; no homozygotes.

Submissions (5):

PreventionGenetics, part of Exact Sciences
Classification: Uncertain significance for TTN-related condition. Last evaluated: 2026-03-18. Review status: criteria provided, single submitter. Criteria: ACMG Guidelines, 2015. Collection method: clinical testing. Allele origin: germline.
Comment: The TTN c.105182C>T variant is predicted to result in the amino acid substitution p.Ala35061Val. To our knowledge, this variant has not been reported in the literature. This variant is reported in 0.0058% of alleles in individuals of Latino descent in gnomAD. At this time, the clinical significance of this variant is uncertain due to the absence of conclusive functional and genetic evidence.

Revvity Omics, Revvity
Classification: Uncertain significance. Last evaluated: 2024-09-10. Review status: criteria provided, single submitter. Criteria: ACMG Guidelines, 2015. Collection method: clinical testing. Allele origin: germline.

Ambry Genetics
Classification: Uncertain significance for Cardiovascular phenotype. Last evaluated: 2019-09-06. Review status: criteria provided, single submitter. Criteria: Ambry Variant Classification Scheme 2023. Collection method: clinical testing. Allele origin: germline.
Comment: The p.A25996V variant (also known as c.77987C>T), located in coding exon 185 of the TTN gene, results from a C to T substitution at nucleotide position 77987. The alanine at codon 25996 is replaced by valine, an amino acid with similar properties. This amino acid position is not well conserved in available vertebrate species, and valine is the reference amino acid in other vertebrate species. In addition, this alteration is predicted to be tolerated by in silico analysis. Since supporting evidence is limited at this time, the clinical significance of this alteration remains unclear.

GeneDx
Classification: Likely benign. Last evaluated: 2019-08-29. Review status: criteria provided, single submitter. Criteria: GeneDx Variant Classification Process June 2021. Collection method: clinical testing. Allele origin: germline. Affected: yes.

Eurofins Ntd Llc (ga)
Classification: Uncertain significance. Last evaluated: 2016-05-25. Review status: criteria provided, single submitter. Criteria: EGL Classification Definitions 2015. Collection method: clinical testing. Allele origin: germline. Observed: 1 variant allele, 1 heterozygote.